The following is an entry in ClinVar:

ClinVar aggregate classification (germline): Uncertain significance (1 of 4 stars; one submission).

Conditions:
Hereditary cancer-predisposing syndrome. Also called: Tumor predisposition; Hereditary neoplastic syndrome; Neoplastic Syndromes, Hereditary; Hereditary Cancer Syndrome. Identifiers: Orphanet 140162, MedGen C0027672, MeSH D009386, MONDO:0015356.

Submission:

Ambry Genetics
Classification: Uncertain significance for Hereditary cancer-predisposing syndrome. Last evaluated: 2025-05-03. Review status: criteria provided, single submitter. Criteria: Ambry Variant Classification Scheme 2023. Collection method: clinical testing. Allele origin: germline.
Comment: The p.I426M variant (also known as c.1278C>G), located in coding exon 8 of the FLCN gene, results from a C to G substitution at nucleotide position 1278. The isoleucine at codon 426 is replaced by methionine, an amino acid with highly similar properties. This amino acid position is conserved. In addition, the in silico prediction for this alteration is inconclusive. Based on the available evidence, the clinical significance of this variant remains unclear.

NM_144997.7(FLCN):c.1278C>G (p.Ile426Met)

Gene: FLCN (folliculin; minus strand). Cytogenetic location: 17p11.2.
Variant type: single nucleotide variant.
Coding change: c.1278C>G on transcript NM_144997.7 (MANE Select); coding-DNA position 1278, C replaced by G.
Protein change: p.Ile426Met; replaces isoleucine 426 with methionine.
Molecular consequence: missense variant.
Genome position (GRCh38, 1-based): chr17:17,216,402, G>C on the plus strand (C>G on the coding strand, the complement: FLCN is on the minus strand). VCF-style: chr17-17216402-G-C. GRCh37 (hg19) VCF-style: chr17-17119716-G-C.
Other names: c.1332C>G, p.Ile444Met (NM_001353229.2); c.1278C>G, p.Ile426Met (NM_001353230.2, NM_001353231.2); short protein forms I444M, I426M.
Identifiers: ClinVar variation 4025317 (VCV004025317.1).